The following is an entry in ClinVar:

ClinVar aggregate classification (germline): Likely benign. Review status: criteria provided, multiple submitters, no conflicts (2 of 4 stars). 2 submissions from 2 submitters: Likely benign (2). Last evaluated 2025-07-22.

Conditions:
Peutz-Jeghers syndrome (PJS). Also called: POLYPOSIS, HAMARTOMATOUS INTESTINAL; POLYPS-AND-SPOTS SYNDROME; Peutz-Jeghers polyposis; Periorificial lentiginosis syndrome. Identifiers: Orphanet 2869, MedGen C0031269, MeSH D010580, MONDO:0008280, OMIM 175200.

Allele frequency attached by ClinVar (database versions not stated): gnomAD exomes below 0.00001.
gnomAD v4.1: 1 of 1,594,620 alleles (0.000063%); highest among the groups gnomAD compares: East Asian, 0.0023%; no homozygotes.

Submissions (2):

Labcorp Genetics (formerly Invitae), Labcorp
Classification: Likely benign for Peutz-Jeghers syndrome. Last evaluated: 2025-07-22. Review status: criteria provided, single submitter. Criteria: Invitae Variant Classification Sherloc (09022015). Collection method: clinical testing. Allele origin: germline.

Myriad Genetics, Inc.
Classification: Likely benign for Peutz-Jeghers syndrome. Last evaluated: 2025-03-26. Review status: criteria provided, single submitter. Criteria: Myriad Autosomal Dominant, Autosomal Recessive and X-Linked Classification Criteria (2023). Collection method: clinical testing. Allele origin: unknown.
Comment: This variant is considered likely benign. This variant is intronic and is not expected to impact mRNA splicing.

NM_000455.5(STK11):c.465-13G>A

Gene: STK11 (serine/threonine kinase 11; plus strand). Cytogenetic location: 19p13.3.
Variant type: single nucleotide variant.
Coding change: c.465-13G>A on transcript NM_000455.5 (MANE Select); 13 bases into the intron before coding-DNA position 465, G replaced by A.
Molecular consequence: intron variant.
Genome position (GRCh38, 1-based): chr19:1,220,360, G>A. VCF-style: chr19-1220360-G-A. GRCh37 (hg19) VCF-style: chr19-1220359-G-A.
Other names: c.465-13G>A (NM_001407255.1).
Identifiers: ClinVar variation 2872507 (VCV002872507.4), dbSNP rs1165060649, ClinGen allele CA631032482.